The following is an entry in ClinVar:

ClinVar aggregate classification (germline): Pathogenic/Likely pathogenic. Review status: criteria provided, multiple submitters, no conflicts (2 of 4 stars). 4 submissions from 4 submitters: Pathogenic (2); Likely pathogenic (2). Last evaluated 2024-09-01.

Conditions:
UNC80-related disorder. Also called: UNC80-related condition.
Hypotonia, infantile, with psychomotor retardation and characteristic facies 2 (IHPRF2). Also called: UNC80 Deficiency. Identifiers: Orphanet 371364, Orphanet 700333, MedGen C4225203, MONDO:0014777, OMIM 616801.

Submissions (4):

CeGaT Center for Human Genetics Tuebingen
Classification: Pathogenic. Last evaluated: 2024-09-01. Review status: criteria provided, single submitter. Criteria: CeGaT Center For Human Genetics Tuebingen Variant Classification Criteria Version 2. Collection method: clinical testing. Allele origin: germline. Affected: yes. Observed: 1 variant allele.
Comment: UNC80: PVS1, PM2, PM3

Blueprint Genetics
Classification: Likely pathogenic for UNC80-related disorders. Last evaluated: 2024-01-03. Review status: criteria provided, single submitter. Criteria: ACMG Guidelines, 2015. Collection method: clinical testing. Allele origin: germline. Affected: yes. Observed: 1 variant allele.

Institute of Human Genetics Munich, TUM University Hospital
Classification: Pathogenic for Hypotonia, infantile, with psychomotor retardation and characteristic facies 2. Last evaluated: 2021-04-13. Review status: criteria provided, single submitter. Criteria: Classification criteria August 2017. Collection method: clinical testing. Allele origin: germline. Inheritance: Autosomal recessive inheritance. Affected: yes. Observed: 1 variant allele.

Breda Genetics srl
Classification: Likely pathogenic for Hypotonia, infantile, with psychomotor retardation and characteristic facies 2. Review status: criteria provided, single submitter. Criteria: ACMG Guidelines, 2015. Collection method: clinical testing. Allele origin: unknown. Inheritance: Autosomal recessive inheritance. Affected: yes.
Comment: The variant creates a shift in the reading frame which is predicted to result in a premature stop codon 4 amino acids downstream which is likely to result in a truncated protein or protein loss due to nonsense-mediated messenger decay (NMD). This variant has not been reported in dbSNP, gnomAD, 1000 Genomes, NHLI Exome Sequencing Project (ESP) or ClinVar. Pathogenic nonsense mutations in the UNC80 gene have been previously reported (ClinVar).

NM_001371986.1(UNC80):c.7700_7701del (p.Thr2567fs)

Gene: UNC80 (unc-80 subunit of NALCN channel complex; plus strand). Cytogenetic location: 2q34.
Variant type: Deletion.
Coding change: c.7700_7701del on transcript NM_001371986.1 (MANE Select); coding-DNA positions 7700 to 7701, 2 bases deleted (CT; older notation c.7700_7701delCT).
Protein change: p.Thr2567fs; shifts the reading frame from threonine 2567.
Molecular consequence: frameshift variant.
Genome position (GRCh38, 1-based): chr2:209,959,602-209,959,603, CT deleted. VCF-style (leftmost placement, unchanged base first): chr2-209959601-ACT-A. GRCh37 (hg19) VCF-style: chr2-210824325-ACT-A.
Other names: c.7502_7503delCT (NM_032504.1); c.7502_7503del, p.Thr2501fs (NM_032504.2); c.7487_7488del, p.Thr2496fs (NM_182587.4); short protein forms T2567fs, T2496fs, T2501fs.
Identifiers: ClinVar variation 829817 (VCV000829817.19), dbSNP rs1575147319, ClinGen allele CA915941673.